The following is an entry in ClinVar:

NM_006766.5(KAT6A):c.3034C>T (p.Arg1012Ter)

Gene: KAT6A (lysine acetyltransferase 6A; minus strand). Cytogenetic location: 8p11.21.
Variant type: single nucleotide variant.
Coding change: c.3034C>T on transcript NM_006766.5 (MANE Select); coding-DNA position 3034, C replaced by T.
Protein change: p.Arg1012Ter; replaces arginine 1012 with a stop codon.
Molecular consequence: nonsense.
Genome position (GRCh38, 1-based): chr8:41,940,847, G>A on the plus strand (C>T on the coding strand, the complement: KAT6A is on the minus strand). VCF-style: chr8-41940847-G-A. GRCh37 (hg19) VCF-style: chr8-41798365-G-A.
Other names: c.3034C>T (NM_006766.3); short protein forms R1012*.
Identifiers: ClinVar variation 975405 (VCV000975405.6), dbSNP rs768856558, ClinGen allele CA371071139.
Genomic context (GRCh38, chr8:41,940,847, plus strand): 5'-GGTGTAAGATAAACTGGAATTGGAGGAAGAGAAGACCTGGAAAGAAATGCGTTACCTTTC[G>A]CTTCAGCGTGGGCTTTGTGAGAATTGGTGGCGAGCTTGACCGAGGGCTTTCCGGCTCCTC-3'

ClinVar aggregate classification (germline): Pathogenic. Review status: criteria provided, multiple submitters, no conflicts (2 of 4 stars). 5 submissions from 5 submitters: Pathogenic (4). 1 of the submissions does not count toward it. Last evaluated 2024-07-08.

Conditions:
Autosomal dominant intellectual disability-craniofacial anomalies-cardiac defects syndrome (ARTHS). Also called: Mental retardation, autosomal dominant 32; Arboleda-Tham syndrome; KAT6A syndrome. Identifiers: Orphanet 457193, MedGen C4225396, MONDO:0014558, OMIM 616268.
KAT6A-related disorder. Also called: KAT6A-related condition.

Submissions (5):

GeneDx
Classification: Pathogenic. Last evaluated: 2024-07-08. Review status: criteria provided, single submitter. Criteria: GeneDx Variant Classification Process June 2021. Collection method: clinical testing. Allele origin: germline. Affected: yes.
Comment: Nonsense variant predicted to result in protein truncation or nonsense mediated decay in a gene for which loss of function is a known mechanism of disease; Not observed at significant frequency in large population cohorts (gnomAD); This variant is associated with the following publications: (PMID: 37249002, 35904121, 37269490)

Labcorp Genetics (formerly Invitae), Labcorp
Classification: Pathogenic. Last evaluated: 2024-06-10. Review status: criteria provided, single submitter. Criteria: Invitae Variant Classification Sherloc (09022015). Collection method: clinical testing. Allele origin: germline.
Comment: This sequence change creates a premature translational stop signal (p.Arg1012*) in the KAT6A gene. It is expected to result in an absent or disrupted protein product. Loss-of-function variants in KAT6A are known to be pathogenic (PMID: 25728775, 25728777, 27133397). This variant is not present in population databases (gnomAD no frequency). This premature translational stop signal has been observed in individual(s) with KAT6A-related conditions (PMID: 35904121). ClinVar contains an entry for this variant (Variation ID: 975405). For these reasons, this variant has been classified as Pathogenic.

Blueprint Genetics
Classification: Pathogenic for KAT6A-related disorders. Last evaluated: 2023-03-17. Review status: criteria provided, single submitter. Criteria: ACMG Guidelines, 2015. Collection method: clinical testing. Allele origin: de novo. Affected: yes. Observed: 1 variant allele.

Victorian Clinical Genetics Services, Murdoch Childrens Research Institute
Classification: Pathogenic for Autosomal dominant intellectual disability-craniofacial anomalies-cardiac defects syndrome. Last evaluated: 2020-05-21. Review status: criteria provided, single submitter. Criteria: ACMG Guidelines, 2015. Collection method: clinical testing. Allele origin: germline. Inheritance: Autosomal dominant inheritance. Affected: yes.
Comment: Based on the classification scheme VCGS_Germline_v1.1.1, this variant is classified as Pathogenic. Following criteria are met: 0102 - Loss-of-function is a known mechanism of disease for this gene. (N) 0107 - This gene is known to be associated with autosomal dominant disease. (N) 0201 - Variant is predicted to cause nonsense-mediated decay (NMD) and loss of protein (exon 15 of 17). (P) 0251 - Variant is heterozygous. (N) 0301 - Variant is absent from gnomAD. (P) 0401 - Variant is located in a gene associated with a severe early-onset dominant condition that is intolerant to loss-of-function variants. (P) 0507 - Identified variant type is not compatible with in silico predictions of pathogenicity. (N) 0701 - Comparable variants have very strong previous evidence for pathogenicity (ClinVar). (P) 0807 - Variant has not previously been reported in a clinical context. (N) 0905 - No segregation evidence has been identified for this variant. (N) 1007 - No published functional evidence has been identified for this variant. (N) 1208 - Inheritance information for this variant is not currently available. (N) Legend: (P) - Pathogenic, (N) - Neutral, (B) - Benign

Centre de Biologie Pathologie Génétique, Centre Hospitalier Universitaire de Lille
Classification: Pathogenic for KAT6A syndrome. Last evaluated: 2019-01-01. Review status: no assertion criteria provided. Collection method: clinical testing. Allele origin: de novo. Affected: yes. Not counted in ClinVar's aggregate classification.

Literature cited by the submitters: PubMed 25728775 (cited by Labcorp Genetics (formerly Invitae), Labcorp); PubMed 25728777 (cited by Labcorp Genetics (formerly Invitae), Labcorp); PubMed 27133397 (cited by Labcorp Genetics (formerly Invitae), Labcorp); PubMed 35904121 (cited by Labcorp Genetics (formerly Invitae), Labcorp).